The following is an entry in ClinVar:

ClinVar aggregate classification (germline): Likely benign. Review status: criteria provided, single submitter (1 of 4 stars). 2 submissions from 2 submitters: Likely benign (1). 1 of the submissions does not count toward it. Last evaluated 2025-03-04.

Conditions:
Familial cancer of breast. Also called: BREAST CANCER, FAMILIAL; hereditary breast carcinoma; Hereditary breast cancer. Identifiers: Orphanet 227535, MedGen C0346153, MONDO:0016419, OMIM 114480. Disease mechanism: loss of function.

Submissions (2):

Center for Genomic Medicine, Rigshospitalet, Copenhagen University Hospital
Classification: Likely benign. Last evaluated: 2025-03-04. Review status: criteria provided, single submitter. Criteria: ACMG Guidelines, 2015. Collection method: clinical testing. Allele origin: germline.

Leiden Open Variation Database
Classification: Likely benign for Familial cancer of breast. Last evaluated: 2019-05-13. Review status: no assertion criteria provided. Collection method: curation. Allele origin: germline. Affected: yes. Not counted in ClinVar's aggregate classification.
Comment: Curators: Marc Tischkowitz, Arleen D. Auerbach. Submitter to LOVD: Marc Tischkowitz.

Literature cited by the submitters: PubMed 18446436 (cited by Leiden Open Variation Database).

NM_024675.4(PALB2):c.1684+18TGA[7]

Gene: PALB2 (partner and localizer of BRCA2; minus strand). Cytogenetic location: 16p12.2.
Variant type: Microsatellite.
Coding change: c.1684+18TGA[7] on transcript NM_024675.4 (MANE Select); seven copies in a row of the 3-base unit TGA starting at c.1684+18; the reference has eight copies in a row; one copy, 3 bases deleted.
Molecular consequence: intron variant.
Genome position (GRCh38, 1-based): chr16:23,634,821-23,634,823, TCA deleted on the plus strand (TGA on the coding strand, the reverse complement: PALB2 is on the minus strand); deleting any 3 consecutive bases within chr16:23,634,821-23,634,844 gives the same sequence; the position shown is the placement nearest the transcript's 3' end. VCF-style (leftmost placement, unchanged base first): chr16-23634820-TTCA-T. GRCh37 (hg19) VCF-style: chr16-23646141-TTCA-T.
Other names: NM_024675.3:c.1684+39_1684+41del; c.1684+39_1684+41delTGA (NM_024675.4).
Identifiers: ClinVar variation 126617 (VCV000126617.5), dbSNP rs368593832, ClinGen allele CA269507.